The following is an entry in ClinVar:

NM_018131.5(CEP55):c.944G>C (p.Arg315Thr)

Gene: CEP55 (centrosomal protein 55; plus strand). Cytogenetic location: 10q23.33.
Variant type: single nucleotide variant.
Coding change: c.944G>C on transcript NM_018131.5 (MANE Select); coding-DNA position 944, G replaced by C.
Protein change: p.Arg315Thr; replaces arginine 315 with threonine.
Molecular consequence: missense variant.
Genome position (GRCh38, 1-based): chr10:93,517,199, G>C. VCF-style: chr10-93517199-G-C. GRCh37 (hg19) VCF-style: chr10-95276956-G-C.
Other names: c.944G>C, p.Arg315Thr (NM_001127182.2); short protein forms R315T.
Identifiers: ClinVar variation 4699719 (VCV004699719.1).

ClinVar aggregate classification (germline): Uncertain significance (1 of 4 stars; one submission).

Submission:

Labcorp Genetics (formerly Invitae), Labcorp
Classification: Uncertain significance. Last evaluated: 2025-11-26. Review status: criteria provided, single submitter. Criteria: Invitae Variant Classification Sherloc (09022015). Collection method: clinical testing. Allele origin: germline.
Comment: This sequence change replaces arginine, which is basic and polar, with threonine, which is neutral and polar, at codon 315 of the CEP55 protein (p.Arg315Thr). This variant is not present in population databases (gnomAD no frequency). This variant has not been reported in the literature in individuals affected with CEP55-related conditions. An algorithm developed to predict the effect of missense changes on protein structure and function (PolyPhen-2) suggests that this variant is likely to be disruptive. In summary, the available evidence is currently insufficient to determine the role of this variant in disease. Therefore, it has been classified as a Variant of Uncertain Significance.